The following is an entry in ClinVar:

ClinVar aggregate classification (germline): Benign/Likely benign. Review status: criteria provided, multiple submitters, no conflicts (2 of 4 stars). 4 submissions from 4 submitters: Benign (2); Likely benign (1). 1 of the submissions does not count toward it. Last evaluated 2026-01-08.

Conditions:
SCN8A-related disorder.
Early-infantile DEE. Also called: Ohtahara syndrome; Early infantile epileptic encephalopathy; Early infantile epileptic encephalopathy with suppression bursts. Identifiers: Orphanet 1934, MedGen C0393706, MONDO:0800491.

Allele frequency attached by ClinVar (database versions not stated): gnomAD below 0.00001 and 0.00009; TOPMed 0.00003; gnomAD exomes 0.00024 and 0.00046; ExAC 0.00053; 1000 Genomes Project 30x 0.00078; 1000 Genomes Project 0.00100.
gnomAD v4.1: 359 of 1,613,752 alleles (0.022%); highest among the groups gnomAD compares: South Asian, 0.35%; 2 homozygotes.

Submissions (4):

Labcorp Genetics (formerly Invitae), Labcorp
Classification: Benign for Early-infantile DEE. Last evaluated: 2026-01-08. Review status: criteria provided, single submitter. Criteria: Invitae Variant Classification Sherloc (09022015). Collection method: clinical testing. Allele origin: germline.

Blueprint Genetics
Classification: Likely benign. Last evaluated: 2022-11-29. Review status: criteria provided, single submitter. Criteria: ACMG Guidelines, 2015. Collection method: clinical testing. Allele origin: germline.

GeneDx
Classification: Benign. Last evaluated: 2021-04-21. Review status: criteria provided, single submitter. Criteria: GeneDx Variant Classification Process June 2021. Collection method: clinical testing. Allele origin: germline. Affected: yes.

PreventionGenetics, part of Exact Sciences
Classification: Likely benign for SCN8A-related condition. Last evaluated: 2023-01-05. Review status: no assertion criteria provided. Collection method: clinical testing. Allele origin: germline. Not counted in ClinVar's aggregate classification.
Comment: This variant is classified as likely benign based on ACMG/AMP sequence variant interpretation guidelines (Richards et al. 2015 PMID: 25741868, with internal and published modifications).

NM_001330260.2(SCN8A):c.2685A>G (p.Gln895=)

Gene: SCN8A (sodium voltage-gated channel alpha subunit 8; plus strand). Cytogenetic location: 12q13.13.
Variant type: single nucleotide variant.
Coding change: c.2685A>G on transcript NM_001330260.2 (MANE Select); coding-DNA position 2685, A replaced by G.
Protein change: p.Gln895=; no amino-acid change (glutamine 895 retained).
Molecular consequence: synonymous variant.
Genome position (GRCh38, 1-based): chr12:51,765,811, A>G. VCF-style: chr12-51765811-A-G. GRCh37 (hg19) VCF-style: chr12-52159595-A-G.
Other names: c.2685A>G, p.Gln895= (NM_001177984.3, NM_001369788.1, NM_014191.4).
Identifiers: ClinVar variation 309356 (VCV000309356.15), dbSNP rs528126331, ClinGen allele CA6571504.